The following is an entry in ClinVar:

ClinVar aggregate classification (germline): Uncertain significance (1 of 4 stars; one submission).

gnomAD v4.1: 1 of 1,613,538 alleles (0.000062%); highest among the groups gnomAD compares: Non-Finnish European, 0.000085%; no homozygotes.

Submission:

Women's Health and Genetics/Laboratory Corporation of America, LabCorp
Classification: Uncertain significance. Last evaluated: 2024-06-24. Review status: criteria provided, single submitter. Criteria: LabCorp Variant Classification Summary - May 2015. Collection method: clinical testing. Allele origin: germline.
Comment: Variant summary: FOXP2 c.956G>A (p.Gly319Glu) results in a non-conservative amino acid change in the encoded protein sequence. Four of five in-silico tools predict a damaging effect of the variant on protein function. The variant allele was found at a frequency of 8e-06 in 251344 control chromosomes. The available data on variant occurrences in the general population are insufficient to allow any conclusion about variant significance. To our knowledge, no occurrence of c.956G>A in individuals affected with Speech-Language Disorder 1 and no experimental evidence demonstrating its impact on protein function have been reported. No submitters have cited clinical-significance assessments for this variant to ClinVar. Based on the evidence outlined above, the variant was classified as uncertain significance.

NM_014491.4(FOXP2):c.956G>A (p.Gly319Glu)

Gene: FOXP2 (forkhead box P2; plus strand). Cytogenetic location: 7q31.1.
Variant type: single nucleotide variant.
Coding change: c.956G>A on transcript NM_014491.4 (MANE Select); coding-DNA position 956, G replaced by A.
Protein change: p.Gly319Glu; replaces glycine 319 with glutamic acid.
Molecular consequence: missense variant. On other transcripts: non-coding transcript variant (2).
Genome position (GRCh38, 1-based): chr7:114,642,590, G>A. VCF-style: chr7-114642590-G-A. GRCh37 (hg19) VCF-style: chr7-114282645-G-A.
Other names: c.953G>A, p.Gly318Glu (NM_001172766.3); c.1031G>A, p.Gly344Glu (NM_001172767.2, NM_148898.4); c.956G>A, p.Gly319Glu (NM_148899.3); c.1007G>A, p.Gly336Glu (NM_148900.4); short protein forms G318E, G319E, G336E, G344E.
Identifiers: ClinVar variation 3339821 (VCV003339821.1).